The following is an entry in ClinVar:

NM_012414.4(RAB3GAP2):c.517G>A (p.Val173Met)

Gene: RAB3GAP2 (RAB3 GTPase activating non-catalytic protein subunit 2; minus strand). Cytogenetic location: 1q41.
Variant type: single nucleotide variant.
Coding change: c.517G>A on transcript NM_012414.4 (MANE Select); coding-DNA position 517, G replaced by A.
Protein change: p.Val173Met; replaces valine 173 with methionine.
Molecular consequence: missense variant.
Genome position (GRCh38, 1-based): chr1:220,210,483, C>T on the plus strand (G>A on the coding strand, the complement: RAB3GAP2 is on the minus strand). VCF-style: chr1-220210483-C-T. GRCh37 (hg19) VCF-style: chr1-220383825-C-T.
Other names: short protein forms V173M.
Identifiers: ClinVar variation 2923749 (VCV002923749.3), dbSNP rs1457327282, ClinGen allele CA344730417.

ClinVar aggregate classification (germline): Uncertain significance (1 of 4 stars; one submission).

Conditions:
Warburg micro syndrome 2 (WARBM2). Also called: MICRO SYNDROME 2. Identifiers: Orphanet 2510, MedGen C3280214, MONDO:0013641, OMIM 614225.
Martsolf syndrome (MARTS). Also called: Congenital cataract with intellectual disability and hypogonadotropic hypogonadism syndrome. Identifiers: Orphanet 1387, MedGen C0796037, MONDO:0023910.

Allele frequency attached by ClinVar (database versions not stated): gnomAD exomes below 0.00001.
gnomAD v4.1: 1 of 1,613,232 alleles (0.000062%); highest among the groups gnomAD compares: East Asian, 0.0022%; no homozygotes.

Submission:

Labcorp Genetics (formerly Invitae), Labcorp
Classification: Uncertain significance for Martsolf syndrome; Warburg micro syndrome 2. Last evaluated: 2023-12-10. Review status: criteria provided, single submitter. Criteria: Invitae Variant Classification Sherloc (09022015). Collection method: clinical testing. Allele origin: germline.
Comment: This sequence change replaces valine, which is neutral and non-polar, with methionine, which is neutral and non-polar, at codon 173 of the RAB3GAP2 protein (p.Val173Met). This variant is present in population databases (no rsID available, gnomAD 0.006%). This variant has not been reported in the literature in individuals affected with RAB3GAP2-related conditions. Advanced modeling of protein sequence and biophysical properties (such as structural, functional, and spatial information, amino acid conservation, physicochemical variation, residue mobility, and thermodynamic stability) performed at Invitae indicates that this missense variant is expected to disrupt RAB3GAP2 protein function with a positive predictive value of 80%. In summary, the available evidence is currently insufficient to determine the role of this variant in disease. Therefore, it has been classified as a Variant of Uncertain Significance.